The following is an entry in ClinVar:

ClinVar aggregate classification (germline): Uncertain significance (1 of 4 stars; one submission).

Conditions:
Hearing impairment. Also called: Impaired Hearing. Identifiers: MedGen C1384666, MONDO:0005365, HP:0000365.

gnomAD v4.1: 1 of 1,613,812 alleles (0.000062%); highest among the groups gnomAD compares: Non-Finnish European, 0.000085%; no homozygotes.

Submission:

Department of Otolaryngology – Head & Neck Surgery, Cochlear Implant Center
Classification: Uncertain significance for Hearing impairment. Last evaluated: 2021-04-12. Review status: criteria provided, single submitter. Criteria: ClinGen HL ACMG Specifications v1. Collection method: clinical testing. Allele origin: germline. Affected: yes.
Comment: PM2_Moderate, PP3_Supporting

NM_022124.6(CDH23):c.8299T>C (p.Phe2767Leu)

Gene: CDH23 (cadherin related 23; plus strand). Cytogenetic location: 10q22.1.
Variant type: single nucleotide variant.
Coding change: c.8299T>C on transcript NM_022124.6 (MANE Select); coding-DNA position 8299, T replaced by C.
Protein change: p.Phe2767Leu; replaces phenylalanine 2767 with leucine.
Molecular consequence: missense variant.
Genome position (GRCh38, 1-based): chr10:71,807,397, T>C. VCF-style: chr10-71807397-T-C. GRCh37 (hg19) VCF-style: chr10-73567154-T-C.
Other names: c.1579T>C, p.Phe527Leu (NM_001171933.1, NM_001171934.1); short protein forms F2767L, F527L.
Identifiers: ClinVar variation 1065022 (VCV001065022.3), dbSNP rs370903798, ClinGen allele CA377131251.
Genomic context (GRCh38, chr10:71,807,397, plus strand): 5'-GTGGGCAACGTGACAGGCGCAGTGGATGCAGATGAGGGCCCCAACGCGATCGTGTACTAC[T>C]TCATCGCAGGTGGGGCCAGACAGAGCTAGTGCCCTGATTACCCTGGGGCTAGAGATGACC-3'
Protein context (NP_071407.4, residues 2757-2777): DEGPNAIVYY[Phe2767Leu]IAAGNEEKNF